The following is an entry in ClinVar:

ClinVar aggregate classification (germline): Uncertain significance. Review status: criteria provided, multiple submitters, no conflicts (2 of 4 stars). 2 submissions from 2 submitters: Uncertain significance (2). Last evaluated 2024-11-20.

Conditions:
Intellectual disability, autosomal recessive 53 (NEDHSCA). Also called: NEURODEVELOPMENTAL DISORDER WITH OR WITHOUT HYPOTONIA, SEIZURES, AND CEREBELLAR ATROPHY; GLYCOSYLPHOSPHATIDYLINOSITOL BIOSYNTHESIS DEFECT 13; Mental retardation, autosomal recessive 53. Identifiers: Orphanet 488635, MedGen C4310794, MONDO:0014832, OMIM 616917.
Inborn genetic diseases. Identifiers: MedGen C0950123, MeSH D030342.

Allele frequency attached by ClinVar (database versions not stated): gnomAD exomes 0.00001; TOPMed 0.00001; ExAC 0.00002; gnomAD 0.00002.
gnomAD v4.1: 11 of 1,613,716 alleles (0.00068%); highest among the groups gnomAD compares: South Asian, 0.0099%; no homozygotes.

Submissions (2):

Ambry Genetics
Classification: Uncertain significance for Inborn genetic diseases. Last evaluated: 2024-11-20. Review status: criteria provided, single submitter. Criteria: Ambry Variant Classification Scheme 2023. Collection method: clinical testing. Allele origin: germline.

Labcorp Genetics (formerly Invitae), Labcorp
Classification: Uncertain significance for Intellectual disability, autosomal recessive 53. Last evaluated: 2022-10-25. Review status: criteria provided, single submitter. Criteria: Invitae Variant Classification Sherloc (09022015). Collection method: clinical testing. Allele origin: germline.
Comment: This sequence change replaces isoleucine, which is neutral and non-polar, with phenylalanine, which is neutral and non-polar, at codon 769 of the PIGG protein (p.Ile769Phe). This variant is present in population databases (rs758425693, gnomAD 0.007%). This variant has not been reported in the literature in individuals affected with PIGG-related conditions. Advanced modeling of protein sequence and biophysical properties (such as structural, functional, and spatial information, amino acid conservation, physicochemical variation, residue mobility, and thermodynamic stability) performed at Invitae indicates that this missense variant is expected to disrupt PIGG protein function. In summary, the available evidence is currently insufficient to determine the role of this variant in disease. Therefore, it has been classified as a Variant of Uncertain Significance.

NM_001127178.3(PIGG):c.2305A>T (p.Ile769Phe)

Gene: PIGG (phosphatidylinositol glycan anchor biosynthesis class G (EMM blood group); plus strand). Cytogenetic location: 4p16.3.
Variant type: single nucleotide variant.
Coding change: c.2305A>T on transcript NM_001127178.3 (MANE Select); coding-DNA position 2305, A replaced by T.
Protein change: p.Ile769Phe; replaces isoleucine 769 with phenylalanine.
Molecular consequence: missense variant. On other transcripts: non-coding transcript variant (6).
Genome position (GRCh38, 1-based): chr4:530,479, A>T. VCF-style: chr4-530479-A-T. GRCh37 (hg19) VCF-style: chr4-524268-A-T.
Other names: c.2038A>T, p.Ile680Phe (NM_001289051.2, NM_001345986.2); c.1906A>T, p.Ile636Phe (NM_001289052.2); c.2014A>T, p.Ile672Phe (NM_001345987.2); c.1276A>T, p.Ile426Phe (NM_001345988.2); c.772A>T, p.Ile258Phe (NM_001345990.2, NM_001345991.2); c.1207A>T, p.Ile403Phe (NM_001345994.2); c.2281A>T, p.Ile761Phe (NM_017733.5); c.2305A>T (NM_001127178.1); short protein forms I636F, I672F, I426F, I680F, I403F, I769F, I258F, I761F.
Identifiers: ClinVar variation 2114218 (VCV002114218.2), dbSNP rs758425693, ClinGen allele CA2793615.